The following is an entry in ClinVar:

NM_021098.3(CACNA1H):c.6023G>T (p.Ser2008Ile)

Gene: CACNA1H (calcium voltage-gated channel subunit alpha1 H; plus strand). Cytogenetic location: 16p13.3.
Variant type: single nucleotide variant.
Coding change: c.6023G>T on transcript NM_021098.3 (MANE Select); coding-DNA position 6023, G replaced by T.
Protein change: p.Ser2008Ile; replaces serine 2008 with isoleucine.
Molecular consequence: missense variant.
Genome position (GRCh38, 1-based): chr16:1,219,105, G>T. VCF-style: chr16-1219105-G-T. GRCh37 (hg19) VCF-style: chr16-1269105-G-T.
Other names: c.6005G>T, p.Ser2002Ile (NM_001005407.2); short protein forms S2008I, S2002I.
Identifiers: ClinVar variation 585655 (VCV000585655.11), dbSNP rs750277154, ClinGen allele CA7802201.

ClinVar aggregate classification (germline): Conflicting classifications of pathogenicity. Review status: criteria provided, conflicting classifications (1 of 4 stars). 4 submissions from 4 submitters: Uncertain significance (3); Benign (1). Last evaluated 2026-01-21.

Conditions:
Idiopathic generalized epilepsy. Also called: EIG; Generalised epilepsy. Identifiers: MedGen C0270850, MONDO:0005579, OMIM 600669.
Hyperaldosteronism, familial, type IV (HALD4). Also called: FH IV; ALDOSTERONISM, PRIMARY, AND HYPERTENSION. Identifiers: Orphanet 642671, MedGen C4310756, MONDO:0014875, OMIM 617027.
Inborn genetic diseases. Identifiers: MedGen C0950123, MeSH D030342.

Allele frequency attached by ClinVar (database versions not stated): gnomAD 0.00009; ExAC below 0.00001; TOPMed 0.00010.
gnomAD v4.1: 324 of 1,545,220 alleles (0.021%); highest among the groups gnomAD compares: Non-Finnish European, 0.027%; no homozygotes.

Submissions (4):

Labcorp Genetics (formerly Invitae), Labcorp
Classification: Benign for Idiopathic generalized epilepsy; Hyperaldosteronism, familial, type IV. Last evaluated: 2026-01-21. Review status: criteria provided, single submitter. Criteria: Invitae Variant Classification Sherloc (09022015). Collection method: clinical testing. Allele origin: germline.

Ambry Genetics
Classification: Uncertain significance for Inborn genetic diseases. Last evaluated: 2024-12-03. Review status: criteria provided, single submitter. Criteria: Ambry Variant Classification Scheme 2023. Collection method: clinical testing. Allele origin: germline.

Women's Health and Genetics/Laboratory Corporation of America, LabCorp
Classification: Uncertain significance. Last evaluated: 2020-11-04. Review status: criteria provided, single submitter. Criteria: LabCorp Variant Classification Summary - May 2015. Collection method: clinical testing. Allele origin: germline.
Comment: Variant summary: CACNA1H c.6023G>T (p.Ser2008Ile) results in a non-conservative amino acid change in the encoded protein sequence. Four of five in-silico tools predict a benign effect of the variant on protein function. The variant allele was found at a frequency of 9.5e-05 in 147894 control chromosomes (gnomAD). To our knowledge, no occurrence of c.6023G>T in individuals affected with CACNA1H-Related Disorders and no experimental evidence demonstrating its impact on protein function have been reported. Two clinical diagnostic laboratories have submitted clinical-significance assessments for this variant to ClinVar after 2014 without evidence for independent evaluation, and both of them classified the variant as uncertain significance. Based on the evidence outlined above, the variant was classified as uncertain significance.

Athena Diagnostics
Classification: Uncertain significance. Last evaluated: 2018-03-27. Review status: criteria provided, single submitter. Criteria: Athena Diagnostics Criteria. Collection method: clinical testing. Allele origin: germline.